The following is an entry in ClinVar:

NM_001386298.1(CIC):c.1540G>C (p.Glu514Gln)

Gene: CIC (capicua transcriptional repressor; plus strand). Cytogenetic location: 19q13.2.
Variant type: single nucleotide variant.
Coding change: c.1540G>C on transcript NM_001386298.1 (MANE Select); coding-DNA position 1540, G replaced by C.
Protein change: p.Glu514Gln; replaces glutamic acid 514 with glutamine.
Molecular consequence: missense variant.
Genome position (GRCh38, 1-based): chr19:42,273,323, G>C. VCF-style: chr19-42273323-G-C. GRCh37 (hg19) VCF-style: chr19-42777475-G-C.
Other names: c.1540G>C, p.Glu514Gln (NM_001304815.2, NM_001379480.1, NM_001379482.1 and 6 more transcripts); short protein forms E514Q.
Identifiers: ClinVar variation 4998503 (VCV004998503.1).

ClinVar aggregate classification (germline): Uncertain significance (1 of 4 stars; one submission).

Conditions:
CIC-related disorder. Also called: CIC-related condition.

Submission:

PreventionGenetics, part of Exact Sciences
Classification: Uncertain significance for CIC-related condition. Last evaluated: 2026-09-19. Review status: criteria provided, single submitter. Criteria: ACMG Guidelines, 2015. Collection method: clinical testing. Allele origin: germline.
Comment: The CIC c.1540G>C variant is predicted to result in the amino acid substitution p.Glu514Gln. To our knowledge, this variant has not been reported in the literature. This variant is absent in a large population database (gnomAD), indicating this variant is rare. At this time, the clinical significance of this variant is uncertain due to the absence of conclusive functional and genetic evidence.